The following is an entry in ClinVar:

ClinVar aggregate classification (germline): Uncertain significance. Review status: criteria provided, multiple submitters, no conflicts (2 of 4 stars). 2 submissions from 2 submitters: Uncertain significance (2). Last evaluated 2026-09-01.

gnomAD v4.1: 6 of 1,613,974 alleles (0.00037%); highest among the groups gnomAD compares: Admixed American, 0.0067%; no homozygotes.

Submissions (2):

CeGaT Center for Human Genetics Tuebingen
Classification: Uncertain significance. Last evaluated: 2026-09-01. Review status: criteria provided, single submitter. Criteria: CeGaT Center For Human Genetics Tuebingen Variant Classification Criteria Version 2. Collection method: clinical testing. Allele origin: germline. Affected: yes. Observed: 1 variant allele.

Athena Diagnostics
Classification: Uncertain significance. Last evaluated: 2025-01-31. Review status: criteria provided, single submitter. Criteria: Athena Diagnostics Criteria. Collection method: clinical testing. Allele origin: unknown.
Comment: Available data are insufficient to determine the clinical significance of the variant at this time. The frequency of this variant in the general population is uninformative in assessment of its pathogenicity. Polyphen and MutationTaster yielded discordant predictions regarding whether this amino acid change is damaging to the protein.

NM_002397.5(MEF2C):c.402+112C>G

Gene: MEF2C (myocyte enhancer factor 2C; minus strand). Cytogenetic location: 5q14.3.
Variant type: single nucleotide variant.
Coding change: c.402+112C>G on transcript NM_002397.5 (MANE Select); 112 bases into the intron after coding-DNA position 402, C replaced by G.
Molecular consequence: intron variant. On other transcripts: missense variant (5).
Genome position (GRCh38, 1-based): chr5:88,761,073, G>C on the plus strand (C>G on the coding strand, the complement: MEF2C is on the minus strand). VCF-style: chr5-88761073-G-C. GRCh37 (hg19) VCF-style: chr5-88056890-G-C.
Other names: c.402+112C>G (NM_001364330.2, NM_001364333.2, NM_001193350.2 and 18 more transcripts); c.259-9030C>G (NM_001364344.2, NM_001364354.2, NM_001364332.2 and 3 more transcripts); c.24+112C>G (NM_001364353.2, NM_001364356.2); c.-24-9030C>G (NM_001364357.2); c.311C>G, p.Ser104Cys (NM_001131005.2, NM_001364343.2, NM_001364352.2); c.371C>G, p.Ser124Cys (NM_001193347.1, NM_001364338.2); short protein forms S104C, S124C.
Identifiers: ClinVar variation 4682253 (VCV004682253.2).